The following is an entry in ClinVar:

NC_000007.13:g.(?_152357776)_(152357877_?)del

Gene: XRCC2 (X-ray repair cross complementing 2; minus strand). Cytogenetic location: 7q36.1.
Variant type: Deletion.
Identifiers: ClinVar variation 3245886 (VCV003245886.1).

ClinVar aggregate classification (germline): Uncertain significance (1 of 4 stars; one submission).

Submission:

Labcorp Genetics (formerly Invitae), Labcorp
Classification: Uncertain significance. Last evaluated: 2023-07-21. Review status: criteria provided, single submitter. Criteria: Invitae Variant Classification Sherloc (09022015). Collection method: clinical testing. Allele origin: unknown.
Comment: In summary, the available evidence is currently insufficient to determine the role of this variant in disease. Therefore, it has been classified as a Variant of Uncertain Significance. Experimental studies and prediction algorithms are not available or were not evaluated, and the functional significance of this variant is currently unknown. This variant has not been reported in the literature in individuals affected with XRCC2-related conditions. This variant is a gross deletion of the genomic region encompassing exon(s) 2 of the XRCC2 gene. While this deletion is not anticipated to lead to nonsense mediated decay, it is expected to disrupt the C-terminus of the protein.